The following is an entry in ClinVar:

NM_003052.5(SLC34A1):c.690dup (p.Val231fs)

Gene: SLC34A1 (solute carrier family 34 member 1; plus strand). Cytogenetic location: 5q35.3.
Variant type: Duplication.
Coding change: c.690dup on transcript NM_003052.5 (MANE Select); coding-DNA position 690, one base duplicated (A; older notation c.690dupA).
Protein change: p.Val231fs; shifts the reading frame from valine 231.
Molecular consequence: frameshift variant.
Genome position (GRCh38, 1-based): chr5:177,388,039, A duplicated. VCF-style (leftmost placement, unchanged base first): chr5-177388038-C-CA. GRCh37 (hg19) VCF-style: chr5-176815039-C-CA.
Other names: c.690dup, p.Val231fs (NM_001167579.2); short protein forms V231fs.
Identifiers: ClinVar variation 1701923 (VCV001701923.4), dbSNP rs2481014114, ClinGen allele CA2580074063.

ClinVar aggregate classification (germline): Pathogenic/Likely pathogenic. Review status: criteria provided, multiple submitters, no conflicts (2 of 4 stars). 2 submissions from 2 submitters: Pathogenic (1); Likely pathogenic (1). Last evaluated 2024-03-05.

Conditions:
Fanconi renotubular syndrome 2 (FRTS2). Identifiers: MedGen C3150652, MONDO:0013247, OMIM 613388.

Submissions (2):

Labcorp Genetics (formerly Invitae), Labcorp
Classification: Pathogenic. Last evaluated: 2024-03-05. Review status: criteria provided, single submitter. Criteria: Invitae Variant Classification Sherloc (09022015). Collection method: clinical testing. Allele origin: germline.
Comment: This sequence change creates a premature translational stop signal (p.Val231Serfs*32) in the SLC34A1 gene. It is expected to result in an absent or disrupted protein product. Loss-of-function variants in SLC34A1 are known to be pathogenic (PMID: 26047794). This variant is not present in population databases (gnomAD no frequency). This variant has not been reported in the literature in individuals affected with SLC34A1-related conditions. ClinVar contains an entry for this variant (Variation ID: 1701923). Algorithms developed to predict the effect of sequence changes on RNA splicing suggest that this variant may disrupt the consensus splice site. For these reasons, this variant has been classified as Pathogenic.

Arcensus
Classification: Likely pathogenic for Fanconi renotubular syndrome 2. Last evaluated: 2013-02-01. Review status: criteria provided, single submitter. Criteria: ACMG Guidelines, 2015. Collection method: clinical testing. Allele origin: germline. Affected: yes.

Literature cited by the submitters: PubMed 26047794 (cited by Labcorp Genetics (formerly Invitae), Labcorp).